The following is an entry in ClinVar:

ClinVar aggregate classification (germline): Uncertain significance (1 of 4 stars; one submission).

Conditions:
Charcot-Marie-Tooth disease type 2. Also called: Charcot-Marie-Tooth type 2. Identifiers: Orphanet 64746, MedGen C0270914, MONDO:0018993.

Submission:

Labcorp Genetics (formerly Invitae), Labcorp
Classification: Uncertain significance for Charcot-Marie-Tooth disease type 2. Last evaluated: 2025-04-21. Review status: criteria provided, single submitter. Criteria: Invitae Variant Classification Sherloc (09022015). Collection method: clinical testing. Allele origin: germline.
Comment: This sequence change falls in intron 9 of the MFN2 gene. It does not directly change the encoded amino acid sequence of the MFN2 protein. This variant is not present in population databases (gnomAD no frequency). This variant has not been reported in the literature in individuals affected with MFN2-related conditions. Algorithms developed to predict the effect of sequence changes on RNA splicing suggest that this variant may disrupt the consensus splice site. In summary, the available evidence is currently insufficient to determine the role of this variant in disease. Therefore, it has been classified as a Variant of Uncertain Significance.

NM_014874.4(MFN2):c.971-8C>G

Gene: MFN2 (mitofusin 2; plus strand). Cytogenetic location: 1p36.22.
Variant type: single nucleotide variant.
Coding change: c.971-8C>G on transcript NM_014874.4 (MANE Select); 8 bases into the intron before coding-DNA position 971, C replaced by G.
Molecular consequence: intron variant.
Genome position (GRCh38, 1-based): chr1:12,001,761, C>G. VCF-style: chr1-12001761-C-G. GRCh37 (hg19) VCF-style: chr1-12061818-C-G.
Other names: c.971-8C>G (NM_001127660.2).
Identifiers: ClinVar variation 4690311 (VCV004690311.1).